The following is an entry in ClinVar:

ClinVar aggregate classification (germline): Conflicting classifications of pathogenicity. Review status: criteria provided, conflicting classifications (1 of 4 stars). 5 submissions from 5 submitters: Uncertain significance (3); Likely benign (1). 1 of the submissions does not count toward it. Last evaluated 2026-07-27.

Conditions:
COL4A4-related disorder.
Autosomal recessive Alport syndrome (ATS2). Also called: COL4A4 Alport Syndrome and Thin Basement Membrane Nephropathy; ALPORT SYNDROME 2, AUTOSOMAL RECESSIVE; COL4A3-Related Nephropathy; Alport syndrome type 2. Identifiers: Orphanet 63, Orphanet 88919, MedGen C4746745, MONDO:0008762, OMIM 203780.
Benign familial hematuria. Also called: thin basement membrane disease. Identifiers: MedGen C0241908, MONDO:0957317.
Autosomal dominant Alport syndrome (ATS3A). Also called: ALPORT SYNDROME 3A, AUTOSOMAL DOMINANT; Alport syndrome dominant type; Renal failure and sensorineural hearing loss. Identifiers: Orphanet 63, Orphanet 88918, MedGen C5882663, MONDO:0007086, OMIM 104200.

Allele frequency attached by ClinVar (database versions not stated): gnomAD 0.00003 and 0.00004; ExAC 0.00005; TOPMed 0.00006; gnomAD exomes 0.00008 and 0.00005; ESP Exome Variant Server 0.00008.
gnomAD v4.1: 117 of 1,613,926 alleles (0.0072%); highest among the groups gnomAD compares: Non-Finnish European, 0.0093%; no homozygotes.

Submissions (5):

PreventionGenetics, part of Exact Sciences
Classification: Uncertain significance for COL4A4-related condition. Last evaluated: 2026-07-27. Review status: criteria provided, single submitter. Criteria: ACMG Guidelines, 2015. Collection method: clinical testing. Allele origin: germline.
Comment: The COL4A4 c.723A>C variant is predicted to result in the amino acid substitution p.Gln241His. This variant was reported in an individual with keratoconus (Table S3, Lucas et al. 2018. PubMed ID: 29924831). This variant is reported in 0.0099% of alleles in individuals of Ashkenazi Jewish descent in gnomAD. At this time, the clinical significance of this variant is uncertain due to the absence of conclusive functional and genetic evidence.

Labcorp Genetics (formerly Invitae), Labcorp
Classification: Likely benign. Last evaluated: 2025-10-02. Review status: criteria provided, single submitter. Criteria: Invitae Variant Classification Sherloc (09022015). Collection method: clinical testing. Allele origin: germline.

Blueprint Genetics
Classification: Uncertain significance. Last evaluated: 2024-10-17. Review status: criteria provided, single submitter. Criteria: ACMG Guidelines, 2015. Collection method: clinical testing. Allele origin: germline.

Fulgent Genetics
Classification: Uncertain significance for Hematuria, benign familial, 1; Autosomal recessive Alport syndrome. Last evaluated: 2021-09-25. Review status: criteria provided, single submitter. Criteria: ACMG Guidelines, 2015. Collection method: clinical testing. Allele origin: unknown.

Bioscientia Institut fuer Medizinische Diagnostik GmbH, Sonic Healthcare
Classification: Uncertain significance for Autosomal dominant Alport syndrome. Last evaluated: 2019-10-07. Review status: no assertion criteria provided. Collection method: clinical testing. Allele origin: germline. Affected: yes. Not counted in ClinVar's aggregate classification.

NM_000092.5(COL4A4):c.723A>C (p.Gln241His)

Gene: COL4A4 (collagen type IV alpha 4 chain; minus strand). Cytogenetic location: 2q36.3.
Variant type: single nucleotide variant.
Coding change: c.723A>C on transcript NM_000092.5 (MANE Select); coding-DNA position 723, A replaced by C.
Protein change: p.Gln241His; replaces glutamine 241 with histidine.
Molecular consequence: missense variant.
Genome position (GRCh38, 1-based): chr2:227,108,593, T>G on the plus strand (A>C on the coding strand, the complement: COL4A4 is on the minus strand). VCF-style: chr2-227108593-T-G. GRCh37 (hg19) VCF-style: chr2-227973309-T-G.
Other names: short protein forms Q241H.
Identifiers: ClinVar variation 830014 (VCV000830014.9), dbSNP rs201673987, ClinGen allele CA2145480.
Genomic context (GRCh38, chr2:227,108,593, plus strand): 5'-GCACACACACGTCACCATCTGCTCCTCAGAGCAAGAGGGAATTCTTACCGGGTCTCCCAT[T>G]TGCCCCTTTACTCCCACACCGGGATTTCCCTGAGAAAGAAATGAAAAAGAATCTAATTGC-3'
Protein context (NP_000083.3, residues 231-251): KGNPGVGVKG[Gln241His]MGDPGEVGQQ